The following is an entry in ClinVar:

NM_000103.4(CYP19A1):c.254T>G (p.Met85Arg)

Genes: CYP19A1 (cytochrome P450 family 19 subfamily A member 1; minus strand), MIR4713HG (MIR4713 host gene; plus strand), PIRC66 (piwi-interacting RNA cluster 66; plus strand). Cytogenetic location: 15q21.2.
Variant type: single nucleotide variant.
Coding change: c.254T>G on transcript NM_000103.4 (MANE Select); coding-DNA position 254, T replaced by G.
Protein change: p.Met85Arg; replaces methionine 85 with arginine.
Molecular consequence: missense variant.
Genome position (GRCh38, 1-based): chr15:51,236,901, A>C on the plus strand (T>G on the coding strand, the complement: CYP19A1 is on the minus strand). VCF-style: chr15-51236901-A-C. GRCh37 (hg19) VCF-style: chr15-51529098-A-C.
Other names: NM_000103.4(CYP19A1):c.254T>G; p.Met85Arg; c.254T>G, p.Met85Arg (NM_001347248.1, NM_001347249.2, NM_001347250.2 and 7 more transcripts); short protein forms M85R.
Identifiers: ClinVar variation 1370925 (VCV001370925.4), dbSNP rs779820447, ClinGen allele CA7560125.

ClinVar aggregate classification (germline): Conflicting classifications of pathogenicity. Review status: criteria provided, conflicting classifications (1 of 4 stars). 2 submissions from 2 submitters: Likely pathogenic (1); Uncertain significance (1). Last evaluated 2026-03-05.

Conditions:
Aromatase deficiency. Also called: Increased aromatase activity; PSEUDOHERMAPHRODITISM, FEMALE, DUE TO PLACENTAL AROMATASE DEFICIENCY. Identifiers: Orphanet 91, MedGen C1960539, MONDO:0013301, OMIM 613546.

Allele frequency attached by ClinVar (database versions not stated): gnomAD exomes 0.00001; gnomAD 0.00002; ExAC 0.00001; TOPMed 0.00002.
gnomAD v4.1: 18 of 1,614,088 alleles (0.0011%); highest among the groups gnomAD compares: Non-Finnish European, 0.0014%; no homozygotes.

Submissions (2):

Broad Center for Mendelian Genomics, Broad Institute of MIT and Harvard
Classification: Likely pathogenic for Aromatase deficiency. Last evaluated: 2026-03-05. Review status: criteria provided, single submitter. Criteria: ACMG Guidelines, 2015. Collection method: research. Allele origin: germline. Inheritance: Autosomal recessive inheritance. Study: GREGoR Consortium.
Comment: It has also been identified in 0.001% {16/1180038) of European chromosomes by gnomAD. This variant has also been reported in ClinVar (Variation ID: 1370925). Computational prediction tools and conservation analyses do not provide strong support for or against an impact to the protein. However, in vitro functional studies provide some evidence that this variant impacts protein function (Belgorosky 2009 PMID: 19844120; Yang 2017 PMID: 28542158). In summary, although additional studies are required to fully establish its clinical significance, this variant meets criteria to be classified as likely pathogenic for autosomal recessive aromatase deficiency. ACMG/AMP Criteria applied: PP4, PP1, PM2_supporting, PM3, PS3_supporting.

Labcorp Genetics (formerly Invitae), Labcorp
Classification: Uncertain significance. Last evaluated: 2021-10-20. Review status: criteria provided, single submitter. Criteria: Invitae Variant Classification Sherloc (09022015). Collection method: clinical testing. Allele origin: germline.
Comment: This sequence change replaces methionine with arginine at codon 85 of the CYP19A1 protein (p.Met85Arg). The methionine residue is moderately conserved and there is a moderate physicochemical difference between methionine and arginine. This variant is present in population databases (rs779820447, ExAC 0.001%). This missense change has been observed in individual(s) with clinical features of aromatase deficiency (PMID: 19844120). Algorithms developed to predict the effect of missense changes on protein structure and function are either unavailable or do not agree on the potential impact of this missense change (SIFT: "Deleterious"; PolyPhen-2: "Benign"; Align-GVGD: "Class C0"). Experimental studies have shown that this missense change affects CYP19A1 function (PMID: 19844120). In summary, the available evidence is currently insufficient to determine the role of this variant in disease. Therefore, it has been classified as a Variant of Uncertain Significance.

Literature cited by the submitters: PubMed 19844120 (cited by Broad Center for Mendelian Genomics, Broad Institute of MIT and Harvard and Labcorp Genetics (formerly Invitae), Labcorp); PubMed 28542158 (cited by Broad Center for Mendelian Genomics, Broad Institute of MIT and Harvard).